The following is an entry in ClinVar:

NM_000219.6(KCNE1):c.336T>G (p.His112Gln)

Gene: KCNE1 (potassium voltage-gated channel subfamily E regulatory subunit 1; minus strand). Cytogenetic location: 21q22.12.
Variant type: single nucleotide variant.
Coding change: c.336T>G on transcript NM_000219.6 (MANE Select); coding-DNA position 336, T replaced by G.
Protein change: p.His112Gln; replaces histidine 112 with glutamine.
Molecular consequence: missense variant.
Genome position (GRCh38, 1-based): chr21:34,449,299, A>C on the plus strand (T>G on the coding strand, the complement: KCNE1 is on the minus strand). VCF-style: chr21-34449299-A-C. GRCh37 (hg19) VCF-style: chr21-35821597-A-C.
Other names: c.336T>G, p.His112Gln (NM_001127668.4, NM_001127669.4, NM_001127670.4 and 4 more transcripts); short protein forms H112Q.
Identifiers: ClinVar variation 3374676 (VCV003374676.2).

Conditions:
Long QT syndrome 5 (LQT5). Identifiers: Orphanet 101016, Orphanet 768, MedGen C1867904, MONDO:0013372, OMIM 613695.

Submission:

Roden Lab, Vanderbilt University Medical Center
No classification provided (evidence only). Condition: Long QT syndrome 5. Review status: no classification provided. Collection method: in vitro. Allele origin: not applicable. Functional consequence: Effect on ion channel function.
ClinVar note: "not provided" was previously submitted as the classification for the variant. However, the classification appeared to be based only on an observation of functional data so it was converted to no classification on 2025-07-30.